The following is an entry in ClinVar:

ClinVar aggregate classification (germline): Uncertain significance (1 of 4 stars; one submission).

Conditions:
Ullrich congenital muscular dystrophy 2 (UCMD2). Identifiers: Orphanet 75840, MedGen C4225314, MONDO:0014654, OMIM 616470.
Bethlem myopathy 2 (BTHLM2). Identifiers: Orphanet 536516, Orphanet 610, MedGen C4225313, MONDO:0034022, OMIM 616471.

Allele frequency attached by ClinVar (database versions not stated): gnomAD exomes below 0.00001.
gnomAD v4.1: 2 of 1,613,770 alleles (0.00012%); highest among the groups gnomAD compares: Admixed American, 0.0017%; no homozygotes.

Submission:

Labcorp Genetics (formerly Invitae), Labcorp
Classification: Uncertain significance for Bethlem myopathy 2; Ullrich congenital muscular dystrophy 2. Last evaluated: 2021-03-07. Review status: criteria provided, single submitter. Criteria: Invitae Variant Classification Sherloc (09022015). Collection method: clinical testing. Allele origin: germline.
Comment: This sequence change replaces threonine with isoleucine at codon 2231 of the COL12A1 protein (p.Thr2231Ile). The threonine residue is highly conserved and there is a moderate physicochemical difference between threonine and isoleucine. This variant is not present in population databases (ExAC no frequency). This variant has not been reported in the literature in individuals with COL12A1-related conditions. Algorithms developed to predict the effect of missense changes on protein structure and function are either unavailable or do not agree on the potential impact of this missense change (SIFT: "Deleterious"; PolyPhen-2: "Probably Damaging"; Align-GVGD: "Class C0"). In summary, the available evidence is currently insufficient to determine the role of this variant in disease. Therefore, it has been classified as a Variant of Uncertain Significance.

NM_004370.6(COL12A1):c.6692C>T (p.Thr2231Ile)

Gene: COL12A1 (collagen type XII alpha 1 chain; minus strand). Cytogenetic location: 6q13.
Variant type: single nucleotide variant.
Coding change: c.6692C>T on transcript NM_004370.6 (MANE Select); coding-DNA position 6692, C replaced by T.
Protein change: p.Thr2231Ile; replaces threonine 2231 with isoleucine.
Molecular consequence: missense variant.
Genome position (GRCh38, 1-based): chr6:75,124,287, G>A on the plus strand (C>T on the coding strand, the complement: COL12A1 is on the minus strand). VCF-style: chr6-75124287-G-A. GRCh37 (hg19) VCF-style: chr6-75834003-G-A.
Other names: c.3200C>T, p.Thr1067Ile (NM_080645.3); short protein forms T2231I, T1067I.
Identifiers: ClinVar variation 1356285 (VCV001356285.8), dbSNP rs1257364285, ClinGen allele CA364728892.
Genomic context (GRCh38, chr6:75,124,287, plus strand): 5'-ATCATTTTTTTCTTTTTTACACACATACCATCTGCAGGGCTTAGTTTTAGCCTGTAGGAG[G>A]TGGCTGCCCGGTGAGGTGACCATTTGACACAGAATGTATCCCACCCAATCTGGTAAGTTT-3'
Protein context (NP_004361.3, residues 2221-2241): CVKWSPHRAA[Thr2231Ile]SYRLKLSPAD